The following is an entry in ClinVar:

NM_004006.3(DMD):c.8828C>T (p.Thr2943Met)

Gene: DMD (dystrophin; minus strand). Cytogenetic location: Xp21.2.
Variant type: single nucleotide variant.
Coding change: c.8828C>T on transcript NM_004006.3 (MANE Select); coding-DNA position 8828, C replaced by T.
Protein change: p.Thr2943Met; replaces threonine 2943 with methionine.
Molecular consequence: missense variant.
Genome position (GRCh38, 1-based): chrX:31,478,215, G>A on the plus strand (C>T on the coding strand, the complement: DMD is on the minus strand). VCF-style: chrX-31478215-G-A. GRCh37 (hg19) VCF-style: chrX-31496332-G-A.
Other names: c.8804C>T, p.Thr2935Met (NM_000109.4); c.8816C>T, p.Thr2939Met (NM_004009.3); c.8459C>T, p.Thr2820Met (NM_004010.3); c.4805C>T, p.Thr1602Met (NM_004011.4); c.4796C>T, p.Thr1599Met (NM_004012.4); c.1448C>T, p.Thr483Met (NM_004013.3, NM_004020.4, NM_004021.3 and 2 more transcripts); c.641C>T, p.Thr214Met (NM_004014.3); short protein forms T1599M, T1602M, T2935M, T2939M, T2943M, T483M, T214M, T2820M.
Identifiers: ClinVar variation 652304 (VCV000652304.11), dbSNP rs751810893, ClinGen allele CA10377982.

ClinVar aggregate classification (germline): Conflicting classifications of pathogenicity. Review status: criteria provided, conflicting classifications (1 of 4 stars). 3 submissions from 3 submitters: Uncertain significance (2); Likely benign (1). Last evaluated 2026-01-13.

Conditions:
Cardiovascular phenotype. Identifiers: MedGen CN230736.
Duchenne muscular dystrophy (DMD). Also called: MUSCULAR DYSTROPHY, PSEUDOHYPERTROPHIC PROGRESSIVE, DUCHENNE TYPE; Duchenne Muscular Dystrophy (DMD). Identifiers: Orphanet 98896, MedGen C0013264, MONDO:0010679, OMIM 310200.

Allele frequency attached by ClinVar (database versions not stated): TOPMed 0.00001; gnomAD exomes 0.00003; ExAC 0.00004; gnomAD 0.00001.
gnomAD v4.1: 12 of 1,208,802 alleles (0.00099%); highest among the groups gnomAD compares: Admixed American, 0.015%; no homozygotes.

Submissions (3):

Labcorp Genetics (formerly Invitae), Labcorp
Classification: Likely benign for Duchenne muscular dystrophy. Last evaluated: 2026-01-13. Review status: criteria provided, single submitter. Criteria: Invitae Variant Classification Sherloc (09022015). Collection method: clinical testing. Allele origin: germline.

Ambry Genetics
Classification: Uncertain significance for Cardiovascular phenotype. Last evaluated: 2023-05-22. Review status: criteria provided, single submitter. Criteria: Ambry Variant Classification Scheme 2023. Collection method: clinical testing. Allele origin: germline.
Comment: The p.T2943M variant (also known as c.8828C>T), located in coding exon 59 of the DMD gene, results from a C to T substitution at nucleotide position 8828. The threonine at codon 2943 is replaced by methionine, an amino acid with similar properties. Based on data from gnomAD, the T allele has an overall frequency of 0.003% (6/182836) total alleles studied, with 1 hemizygote observed. The highest observed frequency was 0.022% (6/27372) of Latino/Admixed American alleles. This amino acid position is poorly conserved in available vertebrate species. In addition, this alteration is predicted to be tolerated by in silico analysis. Since supporting evidence is limited at this time, the clinical significance of this alteration remains unclear.

Athena Diagnostics
Classification: Uncertain significance. Last evaluated: 2018-09-25. Review status: criteria provided, single submitter. Criteria: Athena Diagnostics Criteria. Collection method: clinical testing. Allele origin: germline.